The following is an entry in ClinVar:

NM_003331.5(TYK2):c.2885A>G (p.Tyr962Cys)

Gene: TYK2 (tyrosine kinase 2; minus strand). Cytogenetic location: 19p13.2.
Variant type: single nucleotide variant.
Coding change: c.2885A>G on transcript NM_003331.5 (MANE Select); coding-DNA position 2885, A replaced by G.
Protein change: p.Tyr962Cys; replaces tyrosine 962 with cysteine.
Molecular consequence: missense variant.
Genome position (GRCh38, 1-based): chr19:10,354,065, T>C on the plus strand (A>G on the coding strand, the complement: TYK2 is on the minus strand). VCF-style: chr19-10354065-T-C. GRCh37 (hg19) VCF-style: chr19-10464741-T-C.
Other names: c.2885A>G, p.Tyr962Cys (NM_001385197.1, NM_001385198.1); c.2699A>G, p.Tyr900Cys (NM_001385199.1); c.2882A>G, p.Tyr961Cys (NM_001385200.1); c.2687A>G, p.Tyr896Cys (NM_001385201.1); c.2801A>G, p.Tyr934Cys (NM_001385202.1); c.2966A>G, p.Tyr989Cys (NM_001385203.1); c.3095A>G, p.Tyr1032Cys (NM_001385204.1); c.2795A>G, p.Tyr932Cys (NM_001385205.1); and 2 more; short protein forms Y1032C, Y896C, Y900C, Y920C, Y932C, Y934C, Y956C, Y961C.
Identifiers: ClinVar variation 1007411 (VCV001007411.7), dbSNP rs758656059, ClinGen allele CA403987699.

ClinVar aggregate classification (germline): Uncertain significance (1 of 4 stars; one submission).

Conditions:
Immunodeficiency 35 (IMD35). Also called: TYK2 DEFICIENCY; Susceptibility to infection due to TYK2 deficiency; HIES WITH ATYPICAL MYCOBACTERIOSIS, AUTOSOMAL RECESSIVE; HYPER-IgE SYNDROME WITH ATYPICAL MYCOBACTERIOSIS, AUTOSOMAL RECESSIVE. Identifiers: Orphanet 331226, MedGen C1969086, MONDO:0012682, OMIM 611521.

Submission:

Labcorp Genetics (formerly Invitae), Labcorp
Classification: Uncertain significance for Immunodeficiency 35. Last evaluated: 2020-07-12. Review status: criteria provided, single submitter. Criteria: Invitae Variant Classification Sherloc (09022015). Collection method: clinical testing. Allele origin: germline.
Comment: In summary, the available evidence is currently insufficient to determine the role of this variant in disease. Therefore, it has been classified as a Variant of Uncertain Significance. Algorithms developed to predict the effect of missense changes on protein structure and function are either unavailable or do not agree on the potential impact of this missense change (SIFT: "Not Available"; PolyPhen-2: "Probably Damaging"; Align-GVGD: "Not Available"). This variant has not been reported in the literature in individuals with TYK2-related conditions. This variant is not present in population databases (ExAC no frequency). This sequence change replaces tyrosine with cysteine at codon 962 of the TYK2 protein (p.Tyr962Cys). The tyrosine residue is highly conserved and there is a large physicochemical difference between tyrosine and cysteine.